The following is an entry in ClinVar:

ClinVar aggregate classification (germline): Uncertain significance (1 of 4 stars; one submission).

Submission:

Labcorp Genetics (formerly Invitae), Labcorp
Classification: Uncertain significance. Last evaluated: 2021-05-19. Review status: criteria provided, single submitter. Criteria: Invitae Variant Classification Sherloc (09022015). Collection method: clinical testing. Allele origin: germline.
Comment: In summary, the available evidence is currently insufficient to determine the role of this variant in disease. Therefore, it has been classified as a Variant of Uncertain Significance. Advanced modeling of protein sequence and biophysical properties (such as structural, functional, and spatial information, amino acid conservation, physicochemical variation, residue mobility, and thermodynamic stability) performed at Invitae indicates that this missense variant is expected to disrupt FH protein function. This variant has been observed in individual(s) with clinical features of hereditary leiomyomatosis and renal cell carcinoma (PMID: 28300276). This variant is not present in population databases (ExAC no frequency). This sequence change replaces threonine with isoleucine at codon 375 of the FH protein (p.Thr375Ile). The threonine residue is highly conserved and there is a moderate physicochemical difference between threonine and isoleucine.

Literature cited by the submitters: PubMed 28300276.

NM_000143.4(FH):c.1124C>T (p.Thr375Ile)

Gene: FH (fumarate hydratase; minus strand). Cytogenetic location: 1q43.
Variant type: single nucleotide variant.
Coding change: c.1124C>T on transcript NM_000143.4 (MANE Select); coding-DNA position 1124, C replaced by T.
Protein change: p.Thr375Ile; replaces threonine 375 with isoleucine.
Molecular consequence: missense variant.
Genome position (GRCh38, 1-based): chr1:241,502,555, G>A on the plus strand (C>T on the coding strand, the complement: FH is on the minus strand). VCF-style: chr1-241502555-G-A. GRCh37 (hg19) VCF-style: chr1-241665855-G-A.
Other names: short protein forms T375I.
Identifiers: ClinVar variation 1020429 (VCV001020429.11), dbSNP rs1659809804, ClinGen allele CA345437619.
Genomic context (GRCh38, chr1:241,502,555, plus strand): 5'-GTGACAGCAACATGGTTCCCCATGACTTGGGCTGCAACCATGGTCATTGCTTCACACTGA[G>A]TAGGGTTCACCTTGCCTTCAAGAAAACCACCAATGACAGAGTAAAGACTAAATTTATGCA-3'
Protein context (NP_000134.2, residues 365-385): SSIMPGKVNP[Thr375Ile]QCEAMTMVAA